The following is an entry in ClinVar:

NM_001999.4(FBN2):c.7475T>C (p.Leu2492Pro)

Gene: FBN2 (fibrillin 2; minus strand). Cytogenetic location: 5q23.3.
Variant type: single nucleotide variant.
Coding change: c.7475T>C on transcript NM_001999.4 (MANE Select); coding-DNA position 7475, T replaced by C.
Protein change: p.Leu2492Pro; replaces leucine 2492 with proline.
Molecular consequence: missense variant.
Genome position (GRCh38, 1-based): chr5:128,276,157, A>G on the plus strand (T>C on the coding strand, the complement: FBN2 is on the minus strand). VCF-style: chr5-128276157-A-G. GRCh37 (hg19) VCF-style: chr5-127611849-A-G.
Other names: short protein forms L2492P.
Identifiers: ClinVar variation 578255 (VCV000578255.14), dbSNP rs1056653104, ClinGen allele CA127021649.
Genomic context (GRCh38, chr5:128,276,157, plus strand): 5'-CTCCCCTCAGTGTTCTTGCAGATGTAGTTGCATGGTTTCGGGGACTGGGAGCATTCATCA[A>G]GGTCTAAGTAAAAGTGATGTGAAGATTAAATTACTGGTTAAAAGAAACAACCAGACTCTT-3'
Protein context (NP_001990.2, residues 2482-2502): TDISGTSCID[Leu2492Pro]DECSQSPKPC

ClinVar aggregate classification (germline): Uncertain significance. Review status: criteria provided, multiple submitters, no conflicts (2 of 4 stars). 3 submissions from 3 submitters: Uncertain significance (3). Last evaluated 2025-10-07.

Conditions:
Congenital contractural arachnodactyly (CCA). Also called: BEALS SYNDROME; Beals-Hecht syndrome; Arthrogryposis, distal, type 9. Identifiers: Orphanet 115, MedGen C0220668, MONDO:0007363, OMIM 121050.
Macular degeneration, early-onset (EOMD). Identifiers: MedGen C4015286, MONDO:0014501, OMIM 616118.

Allele frequency attached by ClinVar (database versions not stated): gnomAD exomes below 0.00001; TOPMed below 0.00001.

Submissions (3):

GeneDx
Classification: Uncertain significance. Last evaluated: 2025-10-07. Review status: criteria provided, single submitter. Criteria: GeneDx Variant Classification Process June 2021. Collection method: clinical testing. Allele origin: germline. Affected: yes.
Comment: Has not been previously published as pathogenic or benign to our knowledge; Not observed at significant frequency in large population cohorts (gnomAD); In silico analysis supports that this missense variant has a deleterious effect on protein structure/function; Although located in a calcium-binding EGF-like domain of the FBN2 gene, it does not substitute or introduce a cysteine residue (PMID: 19006240, 18767143); This variant is associated with the following publications: (PMID: 19006240, 18767143)

Labcorp Genetics (formerly Invitae), Labcorp
Classification: Uncertain significance for Congenital contractural arachnodactyly. Last evaluated: 2023-03-14. Review status: criteria provided, single submitter. Criteria: Invitae Variant Classification Sherloc (09022015). Collection method: clinical testing. Allele origin: germline.
Comment: In summary, the available evidence is currently insufficient to determine the role of this variant in disease. Therefore, it has been classified as a Variant of Uncertain Significance. This sequence change replaces leucine, which is neutral and non-polar, with proline, which is neutral and non-polar, at codon 2492 of the FBN2 protein (p.Leu2492Pro). This variant is not present in population databases (gnomAD no frequency). This variant has not been reported in the literature in individuals affected with FBN2-related conditions. ClinVar contains an entry for this variant (Variation ID: 578255). Advanced modeling of protein sequence and biophysical properties (such as structural, functional, and spatial information, amino acid conservation, physicochemical variation, residue mobility, and thermodynamic stability) performed at Invitae indicates that this missense variant is not expected to disrupt FBN2 protein function.

Fulgent Genetics
Classification: Uncertain significance for Congenital contractural arachnodactyly; Macular degeneration, early-onset. Last evaluated: 2021-11-30. Review status: criteria provided, single submitter. Criteria: ACMG Guidelines, 2015. Collection method: clinical testing. Allele origin: unknown.